The following is an entry in ClinVar:

NM_001365999.1(SZT2):c.6359C>G (p.Ser2120Cys)

Gene: SZT2 (SZT2 subunit of KICSTOR complex; plus strand). Cytogenetic location: 1p34.2.
Variant type: single nucleotide variant.
Coding change: c.6359C>G on transcript NM_001365999.1 (MANE Select); coding-DNA position 6359, C replaced by G.
Protein change: p.Ser2120Cys; replaces serine 2120 with cysteine.
Molecular consequence: missense variant.
Genome position (GRCh38, 1-based): chr1:43,437,663, C>G. VCF-style: chr1-43437663-C-G. GRCh37 (hg19) VCF-style: chr1-43903334-C-G.
Other names: c.6188C>G, p.Ser2063Cys (NM_015284.4); short protein forms S2063C, S2120C.
Identifiers: ClinVar variation 1998008 (VCV001998008.4), dbSNP rs1654604741, ClinGen allele CA340029313.
Genomic context (GRCh38, chr1:43,437,663, plus strand): 5'-AGACATCCTGCAGTGACCGGCCATGGAAAGGGGATGCGCTGCCCCCTTCCCTCGCTCTGT[C>G]CCGAAGCCAAGAGCCCATCTACTCTGAGGAAGCCTCGGCATGTATCACTCCCACTCTCTG-3'
Protein context (NP_001352928.1, residues 2110-2130): GDALPPSLAL[Ser2120Cys]RSQEPIYSEE

ClinVar aggregate classification (germline): Uncertain significance (1 of 4 stars; one submission).

Allele frequency attached by ClinVar (database versions not stated): TOPMed below 0.00001.

Submission:

Labcorp Genetics (formerly Invitae), Labcorp
Classification: Uncertain significance. Last evaluated: 2022-06-28. Review status: criteria provided, single submitter. Criteria: Invitae Variant Classification Sherloc (09022015). Collection method: clinical testing. Allele origin: germline.
Comment: This sequence change replaces serine, which is neutral and polar, with cysteine, which is neutral and slightly polar, at codon 2063 of the SZT2 protein (p.Ser2063Cys). This variant is not present in population databases (gnomAD no frequency). This variant has not been reported in the literature in individuals affected with SZT2-related conditions. Algorithms developed to predict the effect of missense changes on protein structure and function (SIFT, PolyPhen-2, Align-GVGD) all suggest that this variant is likely to be disruptive. In summary, the available evidence is currently insufficient to determine the role of this variant in disease. Therefore, it has been classified as a Variant of Uncertain Significance.